The following is an entry in ClinVar:

NM_007194.4(CHEK2):c.1037G>A (p.Arg346His)

Gene: CHEK2 (checkpoint kinase 2; minus strand). Cytogenetic location: 22q12.1.
Variant type: single nucleotide variant.
Coding change: c.1037G>A on transcript NM_007194.4 (MANE Select); coding-DNA position 1037, G replaced by A.
Protein change: p.Arg346His; replaces arginine 346 with histidine.
Molecular consequence: missense variant. On other transcripts: intron variant (3).
Genome position (GRCh38, 1-based): chr22:28,696,959, C>T on the plus strand (G>A on the coding strand, the complement: CHEK2 is on the minus strand). VCF-style: chr22-28696959-C-T. GRCh37 (hg19) VCF-style: chr22-29092947-C-T.
Other names: p.R346H:CGT>CAT; c.1166G>A, p.Arg389His (NM_001005735.3); c.374G>A, p.Arg125His (NM_001257387.3, NM_001437942.1); c.836G>A, p.Arg279His (NM_001349956.3); c.1130G>A, p.Arg377His (NM_001438293.1); c.1009-1086G>A (NM_145862.3); c.1102-1086G>A (NM_001438295.1); c.1138-1086G>A (NM_001438294.1); short protein forms R346H, R279H, R389H, R125H, R377H.
Identifiers: ClinVar variation 182431 (VCV000182431.49), dbSNP rs730881688, ClinGen allele CA299074.
Genomic context (GRCh38, chr22:28,696,959, plus strand): 5'-ACCTTTATAAGACAGTCCTCTTCTTGAGATGACAGTAAAACATTCTCTGGCTTTAAGTCA[C>T]GGTGTATAATACCGTTTTCATGAAGGTACTACACAGAAAGGCAGGCATGACCCTCAGATT-3'
Protein context (NP_009125.1, residues 336-356): QYLHENGIIH[Arg346His]DLKPENVLLS

ClinVar aggregate classification (germline): Conflicting classifications of pathogenicity. Review status: criteria provided, conflicting classifications (1 of 4 stars). 14 submissions from 14 submitters: Likely pathogenic (4); Uncertain significance (9). 1 of the submissions does not count toward it. Last evaluated 2026-05-05.

Conditions:
CHEK2-related disorder.
Hereditary nonpolyposis colon cancer (HNPCC). Also called: Hereditary Nonpolyposis Colorectal Cancer Syndrome; Hereditary nonpolyposis colorectal cancer; Familial nonpolyposis colon cancer. Identifiers: Orphanet 443909, MedGen C1333990, MONDO:0018630. Disease mechanism: loss of function.
Predisposition to cancer.
Hereditary cancer-predisposing syndrome. Also called: Neoplastic Syndromes, Hereditary; Tumor predisposition; Hereditary neoplastic syndrome; Hereditary Cancer Syndrome. Identifiers: Orphanet 140162, MedGen C0027672, MeSH D009386, MONDO:0015356.
Hereditary breast ovarian cancer syndrome. Also called: Hereditary breast and/or ovarian cancer syndrome; Hereditary breast and ovarian cancer syndrome; Hereditary breast and ovarian cancer; Hereditary breast and ovarian cancer syndrome (HBOC); Breast and ovarian cancer; BRCA1- and BRCA2-Associated Hereditary Breast and Ovarian Cancer. Identifiers: Orphanet 145, MedGen C0677776, MeSH D061325, MONDO:0003582. Disease mechanism: loss of function.
CHEK2-related cancer predisposition (TPDS4). Also called: TUMOR PREDISPOSITION SYNDROME 4; CANCER PREDISPOSITION SYNDROME, CHEK2-RELATED; CHEK2-related cancer susceptibility. Identifiers: Orphanet 524, MedGen C5882668, MONDO:0700271, OMIM 609265.
Familial cancer of breast. Also called: Hereditary breast cancer; BREAST CANCER, FAMILIAL; hereditary breast carcinoma. Identifiers: Orphanet 227535, MedGen C0346153, MONDO:0016419, OMIM 114480. Disease mechanism: loss of function.

Allele frequency attached by ClinVar (database versions not stated): gnomAD 0.00001; gnomAD exomes 0.00001; TOPMed 0.00001; ExAC 0.00002.

Submissions 1 to 6 of 14:

German Consortium for Hereditary Breast and Ovarian Cancer, University Hospital Cologne
Classification: Likely pathogenic for Hereditary breast ovarian cancer syndrome. Last evaluated: 2026-05-05. Review status: criteria provided, single submitter. Criteria: ACMG SVI. Collection method: curation. Allele origin: germline.
Comment: This classification follows the ACMG SVI adaptation classification scheme; We chose these criteria: PS3 (strong pathogenic): deletirious in well-established functional studies (Storalova 2023, PMID: 37449874; Boonen 2022, PMID: 34903604), PM2 (supporting pathogenic): grpmax FAF ≤0.001%, PP3 (supporting pathogenic): REVEL: 0.719 (cut-off 0.733 in ATM VCEP) also high values for other prediction tolls CADD, alpha missense + in line with functional assays

Ambry Genetics
Classification: Uncertain significance for Hereditary cancer-predisposing syndrome. Last evaluated: 2026-04-27. Review status: criteria provided, single submitter. Criteria: Ambry Variant Classification Scheme 2023. Collection method: clinical testing. Allele origin: germline.
Comment: The p.R346H variant (also known as c.1037G>A), located in coding exon 9 of the CHEK2 gene, results from a G to A substitution at nucleotide position 1037. The arginine at codon 346 is replaced by histidine, an amino acid with highly similar properties. In one study, this variant was detected in conjunction with another CHEK2 alteration (p.E239K) in 1/1303 female breast cancer cases and 0/1109 cancer-free controls (Le Calvez-Kelm F et al. Breast Cancer Res. 2011 Jan;13(1):R6). In another large study, this variant was reported in 6/60,466 breast cancer cases and in 2/53,461 controls (Dorling et al. N Engl J Med. 2021 02;384:428-439). Several other studies have reported this alteration in individuals suspected to be affected with hereditary breast cancer (Young EL et al. J Med Genet, 2016 06;53:366-76; Hauke J et al. Cancer Med, 2018 04;7:1349-1358). Earlier functional analyses for this alteration reported neutral or conflicting results (Kleiblova P. Int J Cancer. 2019 10;145(7):1782-1797; Kleiblov&aacute; P. et al Klin Onkol. 2019;32(Supplementum2):36-50), but this variant was reported as non-functional in a yeast-based assay (Delimitsou A et al. Hum Mutat. 2019 May;40(5):631-648 ), and more recent studies performed in murine embyonic and human cell lines support a deleterious impact (Boonen RACM et al. Cancer Res, 2022 02;82:615-631; Stolarova L et al. Clin Cancer Res. 2023 Aug;29(16):3037-3050). This amino acid position is highly conserved in available vertebrate species. In addition, this alteration is predicted to be deleterious by in silico analysis. Based on the available evidence, the clinical significance of this variant remains unclear.

PreventionGenetics, part of Exact Sciences
Classification: Uncertain significance for CHEK2-related condition. Last evaluated: 2026-04-25. Review status: criteria provided, single submitter. Criteria: ACMG Guidelines, 2015. Collection method: clinical testing. Allele origin: germline.
Comment: The CHEK2 c.1037G>A variant is predicted to result in the amino acid substitution p.Arg346His. This variant has been reported with uncertain significance in individuals with breast cancer (Table S3, Kleiblova et al. 2019. PubMed ID: 31050813; Table S4, Bhai et al. 2021. PubMed ID: 34326862; Table S3, de Oliveira et al. 2022. PubMed ID: 35534704). Functional studies have shown that this variant impacts protein function (Table S2, Kleiblova et al. 2019. PubMed ID: 31050813; Table S1, Stolarova et al. 2023. PubMed ID: 37449874). This variant is reported in 0.0023% of alleles in individuals of European (Non-Finnish) descent in gnomAD and has been reported in the control population in a study of individuals with biliary tract cancer (Supplemental Table 2, Okawa et al. 2023. PubMed ID: 36243179). This variant has conflicting interpretations in ClinVar ranging from likely pathogenic to uncertain significance (Variation ID: 182431). Although we suspect that this variant may be pathogenic, at this time, the clinical significance of this variant is uncertain due to the absence of conclusive functional and genetic evidence.

Labcorp Genetics (formerly Invitae), Labcorp
Classification: Uncertain significance for Familial cancer of breast. Last evaluated: 2026-01-24. Review status: criteria provided, single submitter. Criteria: Invitae Variant Classification Sherloc (09022015). Collection method: clinical testing. Allele origin: germline.
Comment: This sequence change replaces arginine, which is basic and polar, with histidine, which is basic and polar, at codon 346 of the CHEK2 protein (p.Arg346His). This variant is present in population databases (rs730881688, gnomAD 0.002%). This missense change has been observed in individual(s) with breast cancer (PMID: 21244692, 26822949, 31050813, 34326862, 35534704). ClinVar contains an entry for this variant (Variation ID: 182431). An algorithm developed to predict the effect of missense changes on protein structure and function (PolyPhen-2) suggests that this variant is likely to be disruptive. Experimental studies have shown that this missense change affects CHEK2 function (PMID: 30851065, 31050813, 37449874). In summary, the available evidence is currently insufficient to determine the role of this variant in disease. Therefore, it has been classified as a Variant of Uncertain Significance.

GeneDx
Classification: Likely pathogenic. Last evaluated: 2025-09-25. Review status: criteria provided, single submitter. Criteria: GeneDx Variant Classification Process June 2021. Collection method: clinical testing. Allele origin: germline. Affected: yes.
Comment: Identified in individuals with personal and/or family history of breast cancer (PMID: 21244692, 29522266, 31050813, 34903604, 37449874); Published functional studies demonstrate a damaging effect: impaired auto-phosphorylation, reduced/absent kinase activity, and defective DNA-damage response in yeast and cell-based assays (PMID: 30851065, 39146382, 31050813, 34903604); Not observed at significant frequency in large population cohorts (gnomAD); In silico analysis supports that this missense variant has a deleterious effect on protein structure/function; Also known as c.1166G>A, p.(R389H); This variant is associated with the following publications: (PMID: 27071721, 27294619, 31056747, 26424751, 26787654, 21244692, 28188106, 27191893, 29522266, 30851065, 31050813, 33471991, 31206626, 26822949, 37449874, 36243179, 22419737, 19782031, 39642869, 34903604, 38415346, 34326862, 35534704, 39146382, 40630716)

Color Diagnostics, LLC DBA Color Health
Classification: Uncertain significance for Hereditary cancer-predisposing syndrome. Last evaluated: 2025-04-28. Review status: criteria provided, single submitter. Criteria: ACMG Guidelines, 2015. Collection method: clinical testing. Allele origin: germline.
Comment: This missense variant replaces arginine with histidine at codon 346 of the CHEK2 protein. Computational prediction suggests that this variant may have deleterious impact on protein structure and function. Experimental studies have shown a deleterious effect on protein function in CHEK2 kinase activity studies (PMID 31050813, 34903604, 37449874) and in a yeast-based DNA damage repair assay (PMID 30851065). This variant has been reported in individuals affected with breast cancer (PMID: 21244692, 26822949, 29522266, 31050813, 33471991, 37449874) and prostate cancer in the literature (PMID: 31214711). However, a meta-analysis of 12 case-control datasets, including 73,048 female patients with breast cancer and 88,658 ethnicity-matched controls, did not report a significant association between this variant and breast cancer due to too few affected cases (PMID: 37449874OR=3.6411, 95% CI 0.735-18.041, P = 0.1135 at an online resource). This variant has been identified in 3/282644 chromosomes in the general population by the Genome Aggregation Database (gnomAD). Although the available evidence indicates that this variant may be associated with disease, additional studies are necessary to determine the role of this variant in disease conclusively. Therefore, this variant is classified as a Variant of Uncertain Significance.